The following is an entry in ClinVar:

ClinVar aggregate classification (germline): Likely benign. Review status: criteria provided, single submitter (1 of 4 stars). 2 submissions from 2 submitters: Likely benign (1). 1 of the submissions does not count toward it. Last evaluated 2025-12-22.

Conditions:
Frontotemporal dementia and/or amyotrophic lateral sclerosis 1 (FTDALS1). Also called: C9orf72 Frontotemporal Dementia and/or Amyotrophic Lateral Sclerosis; Frontotemporal dementia with motor neuron disease 1. Identifiers: Orphanet 275872, MedGen C5779877, MONDO:0007105, OMIM 105550.
Paget disease of bone 2, early-onset (PDB2). Also called: Paget disease of bone 2. Identifiers: MedGen C4085251, MONDO:0011183, OMIM 602080.
SQSTM1-related disorder. Also called: SQSTM1-Related Disorders.

Allele frequency attached by ClinVar (database versions not stated): ExAC 0.00002; gnomAD exomes 0.00002; ESP Exome Variant Server 0.00008; TOPMed 0.00008; gnomAD 0.00009; 1000 Genomes Project 30x 0.00031.

Submissions (2):

Labcorp Genetics (formerly Invitae), Labcorp
Classification: Likely benign for Paget disease of bone 2, early-onset; Frontotemporal dementia and/or amyotrophic lateral sclerosis 1. Last evaluated: 2025-12-22. Review status: criteria provided, single submitter. Criteria: Invitae Variant Classification Sherloc (09022015). Collection method: clinical testing. Allele origin: germline.

PreventionGenetics, part of Exact Sciences
Classification: Likely benign for SQSTM1-related condition. Last evaluated: 2020-09-02. Review status: no assertion criteria provided. Collection method: clinical testing. Allele origin: germline. Not counted in ClinVar's aggregate classification.
Comment: This variant is classified as likely benign based on ACMG/AMP sequence variant interpretation guidelines (Richards et al. 2015 PMID: 25741868, with internal and published modifications).

NM_003900.5(SQSTM1):c.351G>A (p.Ala117=)

Gene: SQSTM1 (sequestosome 1; plus strand). Cytogenetic location: 5q35.3.
Variant type: single nucleotide variant.
Coding change: c.351G>A on transcript NM_003900.5 (MANE Select); coding-DNA position 351, G replaced by A.
Protein change: p.Ala117=; no amino-acid change (alanine 117 retained).
Molecular consequence: synonymous variant.
Genome position (GRCh38, 1-based): chr5:179,823,907, G>A. VCF-style: chr5-179823907-G-A. GRCh37 (hg19) VCF-style: chr5-179250907-G-A.
Other names: c.99G>A, p.Ala33= (NM_001142298.2, NM_001142299.2); c.351G>A (NM_003900.4).
Identifiers: ClinVar variation 1144725 (VCV001144725.11), dbSNP rs376214713, ClinGen allele CA3600482.